The following is an entry in ClinVar:

ClinVar aggregate classification (germline): Uncertain significance. Review status: criteria provided, multiple submitters, no conflicts (2 of 4 stars). 3 submissions from 3 submitters: Uncertain significance (3). Last evaluated 2025-12-15.

Conditions:
Hereditary cancer-predisposing syndrome. Also called: Neoplastic Syndromes, Hereditary; Tumor predisposition; Hereditary neoplastic syndrome; Hereditary Cancer Syndrome. Identifiers: Orphanet 140162, MedGen C0027672, MeSH D009386, MONDO:0015356.
Gorlin syndrome. Also called: Basal cell nevus syndrome; Nevoid Basal Cell Carcinoma Syndrome. Identifiers: Orphanet 377, MedGen C0004779, MONDO:0007187.
Medulloblastoma (MDB). Also called: Medulloblastoma, somatic; MEDULLOBLASTOMA PREDISPOSITION SYNDROME. Identifiers: Orphanet 616, MedGen C0025149, MeSH D008527, MONDO:0007959, OMIM 155255, HP:0002885.

Allele frequency attached by ClinVar (database versions not stated): gnomAD below 0.00001 and 0.00002; gnomAD exomes below 0.00001; TOPMed below 0.00001; ExAC 0.00001.
gnomAD v4.1: 8 of 1,614,122 alleles (0.0005%); highest among the groups gnomAD compares: South Asian, 0.0033%; no homozygotes.

Submissions (3):

Labcorp Genetics (formerly Invitae), Labcorp
Classification: Uncertain significance for Gorlin syndrome; Medulloblastoma. Last evaluated: 2025-12-15. Review status: criteria provided, single submitter. Criteria: Invitae Variant Classification Sherloc (09022015). Collection method: clinical testing. Allele origin: germline.
Comment: This sequence change replaces alanine, which is neutral and non-polar, with threonine, which is neutral and polar, at codon 416 of the SUFU protein (p.Ala416Thr). This variant is present in population databases (rs779490664, gnomAD 0.006%). This variant has not been reported in the literature in individuals affected with SUFU-related conditions. ClinVar contains an entry for this variant (Variation ID: 524655). Invitae Evidence Modeling of protein sequence and biophysical properties (such as structural, functional, and spatial information, amino acid conservation, physicochemical variation, residue mobility, and thermodynamic stability) indicates that this missense variant is not expected to disrupt SUFU protein function with a negative predictive value of 80%. In summary, the available evidence is currently insufficient to determine the role of this variant in disease. Therefore, it has been classified as a Variant of Uncertain Significance.

Ambry Genetics
Classification: Uncertain significance for Hereditary cancer-predisposing syndrome. Last evaluated: 2024-03-14. Review status: criteria provided, single submitter. Criteria: Ambry Variant Classification Scheme 2023. Collection method: clinical testing. Allele origin: germline.
Comment: The p.A416T variant (also known as c.1246G>A), located in coding exon 10 of the SUFU gene, results from a G to A substitution at nucleotide position 1246. The alanine at codon 416 is replaced by threonine, an amino acid with similar properties. This amino acid position is conserved. In addition, the in silico prediction for this alteration is inconclusive. Since supporting evidence is limited at this time, the clinical significance of this alteration remains unclear.

GeneDx
Classification: Uncertain significance. Last evaluated: 2023-09-29. Review status: criteria provided, single submitter. Criteria: GeneDx Variant Classification Process June 2021. Collection method: clinical testing. Allele origin: germline. Affected: yes.
Comment: Not observed at significant frequency in large population cohorts (gnomAD); In silico analysis supports that this missense variant does not alter protein structure/function; Has not been previously published as pathogenic or benign to our knowledge

NM_016169.4(SUFU):c.1246G>A (p.Ala416Thr)

Gene: SUFU (SUFU negative regulator of hedgehog signaling; plus strand). Cytogenetic location: 10q24.32.
Variant type: single nucleotide variant.
Coding change: c.1246G>A on transcript NM_016169.4 (MANE Select); coding-DNA position 1246, G replaced by A.
Protein change: p.Ala416Thr; replaces alanine 416 with threonine.
Molecular consequence: missense variant.
Genome position (GRCh38, 1-based): chr10:102,617,378, G>A. VCF-style: chr10-102617378-G-A. GRCh37 (hg19) VCF-style: chr10-104377135-G-A.
Other names: c.1246G>A, p.Ala416Thr (NM_001178133.2); short protein forms A416T.
Identifiers: ClinVar variation 524655 (VCV000524655.15), dbSNP rs779490664, ClinGen allele CA5667908.